The following is an entry in ClinVar:

NM_173495.3(PTCHD1):c.2072G>C (p.Arg691Pro)

Gene: PTCHD1 (patched domain containing 1; plus strand). Cytogenetic location: Xp22.11.
Variant type: single nucleotide variant.
Coding change: c.2072G>C on transcript NM_173495.3 (MANE Select); coding-DNA position 2072, G replaced by C.
Protein change: p.Arg691Pro; replaces arginine 691 with proline.
Molecular consequence: missense variant.
Genome position (GRCh38, 1-based): chrX:23,393,590, G>C. VCF-style: chrX-23393590-G-C. GRCh37 (hg19) VCF-style: chrX-23411707-G-C.
Other names: short protein forms R691P.
Identifiers: ClinVar variation 4281364 (VCV004281364.7).
Genomic context (GRCh38, chrX:23,393,590, plus strand): 5'-TTTCTGTCACCTCCAAGGTGAAGTTCATCGTCTTCAATCCGTCCTTTGTATACATGGATC[G>C]ATATGCCTCCTCTCTGGGAGCCCCCCTGCACAACTCCTGCATCAGTGCTTTGTTCCTGCT-3'
Protein context (NP_775766.2, residues 681-701): VFNPSFVYMD[Arg691Pro]YASSLGAPLH

ClinVar aggregate classification (germline): Uncertain significance (1 of 4 stars; one submission).

Submission:

CeGaT Center for Human Genetics Tuebingen
Classification: Uncertain significance. Last evaluated: 2025-09-01. Review status: criteria provided, single submitter. Criteria: CeGaT Center For Human Genetics Tuebingen Variant Classification Criteria Version 2. Collection method: clinical testing. Allele origin: germline. Affected: yes. Observed: 1 variant allele.
Comment: PTCHD1: PM2, PP3